The following is an entry in ClinVar:

NM_000545.8(HNF1A):c.872C>G (p.Pro291Arg)

Gene: HNF1A (HNF1 homeobox A; plus strand). Cytogenetic location: 12q24.31.
Variant type: single nucleotide variant.
Coding change: c.872C>G on transcript NM_000545.8 (MANE Select); coding-DNA position 872, C replaced by G.
Protein change: p.Pro291Arg; replaces proline 291 with arginine.
Molecular consequence: missense variant.
Genome position (GRCh38, 1-based): chr12:120,994,322, C>G. VCF-style: chr12-120994322-C-G. GRCh37 (hg19) VCF-style: chr12-121432125-C-G.
Other names: NM_000545.8(HNF1A):c.872C>G; c.872C>G (NM_000545.6, NM_000545.6); c.872C>G, p.Pro291Arg (NM_001306179.2); short protein forms P291R.
Identifiers: ClinVar variation 36833 (VCV000036833.34), dbSNP rs193922606, ClinGen allele CA214336.
Genomic context (GRCh38, chr12:120,994,322, plus strand): 5'-GGCGCAAAGAAGAAGCCTTCCGGCACAAGCTGGCCATGGACACGTACAGCGGGCCCCCCC[C>G]AGGGCCAGGCCCGGGACCTGCGCTGCCCGCTCACAGCTCCCCTGGCCTGCCTCCACCTGC-3'
Protein context (NP_000536.6, residues 281-301): LAMDTYSGPP[Pro291Arg]GPGPGPALPA

ClinVar aggregate classification (germline): Benign. Review status: reviewed by expert panel (3 of 4 stars). 8 submissions from 8 submitters: Benign (1). 7 of the submissions do not count toward it. Last evaluated 2025-09-26.

Conditions:
HNF1A-related disorder. Also called: HNF1A-related condition.
Monogenic diabetes. Identifiers: Orphanet 183625, MedGen C3888631, MONDO:0015967.
Maturity-onset diabetes of the young type 3. Also called: MODY type 3; MODY, type III. Identifiers: Orphanet 552, MedGen C1838100, MeSH C563933, MONDO:0010894, OMIM 600496. Disease mechanism: loss of function.

Allele frequency attached by ClinVar (database versions not stated): TOPMed 0.00018.
gnomAD v4.1: 29 of 1,609,652 alleles (0.0018%); highest among the groups gnomAD compares: African/African-American, 0.032%; no homozygotes.

Submissions (8):

ClinGen Monogenic Diabetes Variant Curation Expert Panel
Classification: Benign for Monogenic diabetes. Last evaluated: 2025-09-26. Review status: reviewed by expert panel. Criteria: ClinGen Diabetes ACMG Specifications HNF1A V3.0.0. Collection method: curation. Allele origin: germline. Inheritance: Autosomal dominant inheritance.
Comment: The c.872C>G variant in the HNF1 homeobox A gene, HNF1A, causes an amino acid change of proline to arginine at codon 291 (p.(Pro291Arg)) of NM_000545.8. This variant has a Grpmax Filtering allele frequency in gnomAD v4.1.0 of 0.00022, which is greater than the MDEP threshold for BA1 (0.0001) (BA1). This variant was identified in two unrelated individuals with non-autoimmune and non-absolute/near-absolute insulin-deficient diabetes; however, PS4_Moderate cannot be applied because this number is below the ClinGen MDEP threshold and the MAF is above the PM2_Supporting cutoff (internal lab contributors). Lastly, this variant has a REVEL score of 0.4189, which is between the ClinGen MDEP thresholds for PP3 and BP4, predicting neither a damaging nor benign impact on HNF1A function. In summary, c.872C>G meets the criteria to be classified as benign for monogenic diabetes. ACMG/AMP criteria applied, as specified by the ClinGen MDEP (specification version 3.0.0, approved 6/30/2025): BA1.

Revvity Omics, Revvity
Classification: Uncertain significance. Last evaluated: 2025-03-26. Review status: criteria provided, single submitter. Criteria: ACMG Guidelines, 2015. Collection method: clinical testing. Allele origin: germline. Not counted in ClinVar's aggregate classification.

Labcorp Genetics (formerly Invitae), Labcorp
Classification: Uncertain significance. Last evaluated: 2024-11-27. Review status: criteria provided, single submitter. Criteria: Invitae Variant Classification Sherloc (09022015). Collection method: clinical testing. Allele origin: germline. Not counted in ClinVar's aggregate classification.
Comment: This sequence change replaces proline, which is neutral and non-polar, with arginine, which is basic and polar, at codon 291 of the HNF1A protein (p.Pro291Arg). This variant is present in population databases (rs193922606, gnomAD 0.03%). This missense change has been observed in individual(s) with hyperglycemia (PMID: 34202200). ClinVar contains an entry for this variant (Variation ID: 36833). Invitae Evidence Modeling of protein sequence and biophysical properties (such as structural, functional, and spatial information, amino acid conservation, physicochemical variation, residue mobility, and thermodynamic stability) indicates that this missense variant is not expected to disrupt HNF1A protein function with a negative predictive value of 80%. In summary, the available evidence is currently insufficient to determine the role of this variant in disease. Therefore, it has been classified as a Variant of Uncertain Significance.

PreventionGenetics, part of Exact Sciences
Classification: Uncertain significance for HNF1A-related condition. Last evaluated: 2024-11-11. Review status: criteria provided, single submitter. Criteria: ACMG Guidelines, 2015. Collection method: clinical testing. Allele origin: germline. Not counted in ClinVar's aggregate classification.
Comment: The HNF1A c.872C>G variant is predicted to result in the amino acid substitution p.Pro291Arg. This variant has been reported in individuals with maturity-onset diabetes of the young (MODY), all of whom also carried a heterozygous variant in GCK (Iafusco et al. 2021. PubMed ID: 34202200; Lucchesi et al. 2023. PubMed ID: 37730861). This variant is reported in 0.035% of alleles in individuals of African descent in gnomAD. It is classified as a variant of uncertain significance by the ClinGen Monogenic Diabetes Variant Curation Expert Panel. At this time, the clinical significance of this variant is uncertain due to the absence of conclusive functional and genetic evidence.

ARUP Laboratories, Molecular Genetics and Genomics, ARUP Laboratories
Classification: Likely benign. Last evaluated: 2024-10-14. Review status: criteria provided, single submitter. Criteria: ARUP Molecular Germline Variant Investigation Process 2024. Collection method: clinical testing. Allele origin: germline. Not counted in ClinVar's aggregate classification.

CeGaT Center for Human Genetics Tuebingen
Classification: Uncertain significance. Last evaluated: 2023-11-01. Review status: criteria provided, single submitter. Criteria: CeGaT Center For Human Genetics Tuebingen Variant Classification Criteria Version 2. Collection method: clinical testing. Allele origin: germline. Affected: yes. Observed: 1 variant allele. Not counted in ClinVar's aggregate classification.
Comment: HNF1A: PM2

Broad Center for Mendelian Genomics, Broad Institute of MIT and Harvard
Classification: Uncertain significance for Monogenic diabetes. Last evaluated: 2020-01-22. Review status: criteria provided, single submitter. Criteria: ACMG Guidelines, 2015. Collection method: curation. Allele origin: germline. Inheritance: Autosomal dominant inheritance. Not counted in ClinVar's aggregate classification.
Comment: The p.Pro291Arg variant in HNF1A has been reported in at least one individual with Monogenic Diabetes in ClinVar (Variation ID: 36833), and has been identified in 0.03450% (8/23188) of African chromosomes and 0.0008106% (1/123362) of European (non-Finnish) chromosomes by the Genome Aggregation Database (gnomAD; dbSNP rs193922606). This variant has also been reported likely pathogenic in ClinVar (Variation ID: 36833). Although this variant has been seen in the general population, its frequency is low enough to be consistent with a carrier frequency. Please note that for diseases with clinical variability, or reduced penetrance, pathogenic variants may be present at a low frequency in the general population. Computational prediction tools and conservation analyses do not provide strong support for or against an impact to the protein. Another variant at the same position, p.Pro291Ser, has been reported benign in ClinVar (Variation ID: 447505). In summary, the clinical significance of the p.Pro291Arg variant is uncertain. ACMG/AMP Criteria applied: PM2_Supporting (Richards 2015).

Women's Health and Genetics/Laboratory Corporation of America, LabCorp
Classification: Likely pathogenic for MODY3. Last evaluated: 2011-08-18. Review status: criteria provided, single submitter. Criteria: LabCorp Variant Classification Summary - May 2015. Collection method: curation, clinical testing. Allele origin: germline. Inheritance: autosomal unknown. Affected: yes. Not counted in ClinVar's aggregate classification.
ClinVar note: Converted during submission from likely pathogenic to Likely pathogenic.

Literature cited by the submitters: PubMed 34202200 (cited by Labcorp Genetics (formerly Invitae), Labcorp).